The following is an entry in ClinVar:

NM_000548.5(TSC2):c.3738C>T (p.Asp1246=)

Gene: TSC2 (TSC complex subunit 2; plus strand). Cytogenetic location: 16p13.3.
Variant type: single nucleotide variant.
Coding change: c.3738C>T on transcript NM_000548.5 (MANE Select); coding-DNA position 3738, C replaced by T.
Protein change: p.Asp1246=; no amino-acid change (aspartic acid 1246 retained).
Molecular consequence: synonymous variant. On other transcripts: non-coding transcript variant (5).
Genome position (GRCh38, 1-based): chr16:2,081,722, C>T. VCF-style: chr16-2081722-C-T. GRCh37 (hg19) VCF-style: chr16-2131723-C-T.
Other names: c.3606C>T, p.Asp1202= (NM_001077183.3, NM_001370404.1, NM_001406665.1); c.3738C>T, p.Asp1246= (NM_001114382.3); c.3498C>T, p.Asp1166= (NM_001318827.2); c.3462C>T, p.Asp1154= (NM_001318829.2); c.3006C>T, p.Asp1002= (NM_001318831.2, NM_001406687.1, NM_001406688.1); c.3639C>T, p.Asp1213= (NM_001318832.2); c.3609C>T, p.Asp1203= (NM_001363528.2, NM_001370405.1, NM_021055.3); c.3735C>T, p.Asp1245= (NM_001406663.1, NM_001406664.1); and 18 more.
Identifiers: ClinVar variation 2645970 (VCV002645970.24), dbSNP rs2544159212, ClinGen allele CA493043162.
Genomic context (GRCh38, chr16:2,081,722, plus strand): 5'-GCCCCTGCAGGAGCTGTCTAACGCCCTCATGGCGGCTGAGCGCTTCAAGGAGCACCGGGA[C>T]ACAGCCCTGTACAAGTCACTGTCGGTGCCGGCAGCCAGCACGGCCAAACCCCCTCCTCTG-3'
Protein context (NP_000539.2, residues 1236-1256): MAAERFKEHR[Asp1246=]TALYKSLSVP

ClinVar aggregate classification (germline): Likely benign (1 of 4 stars; one submission).

Submission:

CeGaT Center for Human Genetics Tuebingen
Classification: Likely benign. Last evaluated: 2023-06-01. Review status: criteria provided, single submitter. Criteria: CeGaT Center For Human Genetics Tuebingen Variant Classification Criteria Version 2. Collection method: clinical testing. Allele origin: germline. Affected: yes. Observed: 1 variant allele.
Comment: TSC2: PM2:Supporting, BP4, BP7